The following is an entry in ClinVar:

NM_015046.7(SETX):c.1492A>G (p.Thr498Ala)

Gene: SETX (senataxin; minus strand). Cytogenetic location: 9q34.13.
Variant type: single nucleotide variant.
Coding change: c.1492A>G on transcript NM_015046.7 (MANE Select); coding-DNA position 1492, A replaced by G.
Protein change: p.Thr498Ala; replaces threonine 498 with alanine.
Molecular consequence: missense variant.
Genome position (GRCh38, 1-based): chr9:132,330,106, T>C on the plus strand (A>G on the coding strand, the complement: SETX is on the minus strand). VCF-style: chr9-132330106-T-C. GRCh37 (hg19) VCF-style: chr9-135205493-T-C.
Other names: c.1492A>G, p.Thr498Ala (NM_001351527.2, NM_001351528.2); short protein forms T498A.
Identifiers: ClinVar variation 912636 (VCV000912636.10), dbSNP rs779544809, ClinGen allele CA5297765.

ClinVar aggregate classification (germline): Conflicting classifications of pathogenicity. Review status: criteria provided, conflicting classifications (1 of 4 stars). 5 submissions from 4 submitters: Uncertain significance (4); Benign (1). Last evaluated 2026-01-11.

Conditions:
Spinocerebellar ataxia, autosomal recessive, with axonal neuropathy 2 (SCAN2). Also called: Ataxia-ocular apraxia-2; ATAXIA-OCULOMOTOR APRAXIA 2; Ataxia with Oculomotor Apraxia; Ataxia with Oculomotor Apraxia Type 2. Identifiers: Orphanet 64753, MedGen C1853761, MONDO:0018996, OMIM 606002.
Amyotrophic lateral sclerosis type 4 (ALS4). Also called: AMYOTROPHIC LATERAL SCLEROSIS 4, JUVENILE; NEURONOPATHY, DISTAL HEREDITARY MOTOR, WITH PYRAMIDAL FEATURES. Identifiers: Orphanet 357043, MedGen C1865409, MONDO:0011223, OMIM 602433.
Inborn genetic diseases. Identifiers: MedGen C0950123, MeSH D030342.
SETX-related disorder. Also called: SETX-related disorders; SETX-related condition. Identifiers: MedGen CN239403.

Allele frequency attached by ClinVar (database versions not stated): gnomAD 0.00001 and 0.00002; ExAC 0.00002; gnomAD exomes 0.00002; TOPMed 0.00002.
gnomAD v4.1: 10 of 1,613,908 alleles (0.00062%); highest among the groups gnomAD compares: Non-Finnish European, 0.00085%; no homozygotes.

Submissions (5):

Labcorp Genetics (formerly Invitae), Labcorp
Classification: Benign for Amyotrophic lateral sclerosis type 4; Spinocerebellar ataxia, autosomal recessive, with axonal neuropathy 2. Last evaluated: 2026-01-11. Review status: criteria provided, single submitter. Criteria: Invitae Variant Classification Sherloc (09022015). Collection method: clinical testing. Allele origin: germline.

PreventionGenetics, part of Exact Sciences
Classification: Uncertain significance for SETX-related condition. Last evaluated: 2025-09-24. Review status: criteria provided, single submitter. Criteria: ACMG Guidelines, 2015. Collection method: clinical testing. Allele origin: germline.
Comment: The SETX c.1492A>G variant is predicted to result in the amino acid substitution p.Thr498Ala. To our knowledge, this variant has not been reported in the literature. This variant is reported in 0.0062% of alleles in individuals of African descent in gnomAD. At this time, the clinical significance of this variant is uncertain due to the absence of conclusive functional and genetic evidence.

Ambry Genetics
Classification: Uncertain significance for Inborn genetic diseases. Last evaluated: 2025-03-18. Review status: criteria provided, single submitter. Criteria: Ambry Variant Classification Scheme 2023. Collection method: clinical testing. Allele origin: germline.

Illumina Laboratory Services, Illumina
Classification: Uncertain significance for Amyotrophic lateral sclerosis type 4. Last evaluated: 2018-01-13. Review status: criteria provided, single submitter. Criteria: ICSL Variant Classification Criteria 13 December 2019. Collection method: clinical testing. Allele origin: germline.

Illumina Laboratory Services, Illumina
Classification: Uncertain significance for Spinocerebellar ataxia, autosomal recessive, with axonal neuropathy 2. Last evaluated: 2018-01-13. Review status: criteria provided, single submitter. Criteria: ICSL Variant Classification Criteria 13 December 2019. Collection method: clinical testing. Allele origin: germline.